The following is an entry in ClinVar:

ClinVar aggregate classification (germline): Uncertain significance (1 of 4 stars; one submission).

Conditions:
Glycogen storage disease IXd (GSD9D). Also called: GSD IXd; Muscle Phosphorylase Kinase Deficiency. Identifiers: Orphanet 715, MedGen C1845151, MONDO:0010362, OMIM 300559.

Allele frequency attached by ClinVar (database versions not stated): gnomAD exomes below 0.00001.
gnomAD v4.1: 1 of 1,203,148 alleles (0.000083%); highest among the groups gnomAD compares: South Asian, 0.0018%; no homozygotes.

Submission:

Neuberg Centre For Genomic Medicine, NCGM
Classification: Uncertain significance for Glycogen storage disease IXd. Review status: criteria provided, single submitter. Criteria: ACMG Guidelines, 2015. Collection method: clinical testing. Allele origin: germline. Inheritance: Autosomal recessive inheritance. Affected: yes.
Comment: The missense variant c.1505T>C(p.Met502Thr) in PHKA1 gene has not been reported previously as a pathogenic variant nor as a benign variant, to our knowledge. The variant is absent in gnomAD and 1000 Genomes. The amino acid Methionine at position 502 is changed to a Threonine changing protein sequence and it might alter its composition and physico-chemical properties. The variant is predicted to be damaging by SIFT. The amino acid change p.Met502Thr in PHKA1 is predicted as conserved by GERP++ and PhyloP across 100 vertebrates. For these reasons, this variant has been classified as Uncertain Significance.

NM_002637.4(PHKA1):c.1505T>C (p.Met502Thr)

Gene: PHKA1 (phosphorylase kinase regulatory subunit alpha 1; minus strand). Cytogenetic location: Xq13.1.
Variant type: single nucleotide variant.
Coding change: c.1505T>C on transcript NM_002637.4 (MANE Select); coding-DNA position 1505, T replaced by C.
Protein change: p.Met502Thr; replaces methionine 502 with threonine.
Molecular consequence: missense variant.
Genome position (GRCh38, 1-based): chrX:72,636,341, A>G on the plus strand (T>C on the coding strand, the complement: PHKA1 is on the minus strand). VCF-style: chrX-72636341-A-G. GRCh37 (hg19) VCF-style: chrX-71856191-A-G.
Other names: c.1505T>C, p.Met502Thr (NM_001122670.2, NM_001172436.2); short protein forms M502T.
Identifiers: ClinVar variation 3242098 (VCV003242098.1), dbSNP rs2522553049.